The following is an entry in ClinVar:

ClinVar aggregate classification (germline): Uncertain significance. Review status: criteria provided, multiple submitters, no conflicts (2 of 4 stars). 2 submissions from 2 submitters: Uncertain significance (2). Last evaluated 2025-04-12.

Conditions:
Inborn genetic diseases. Identifiers: MedGen C0950123, MeSH D030342.

Allele frequency attached by ClinVar (database versions not stated): TOPMed 0.00001; ESP Exome Variant Server 0.00008; gnomAD 0.00001; ExAC 0.00002; gnomAD exomes 0.00003.
gnomAD v4.1: 41 of 1,613,760 alleles (0.0025%); highest among the groups gnomAD compares: South Asian, 0.013%; no homozygotes.

Submissions (2):

Ambry Genetics
Classification: Uncertain significance for Inborn genetic diseases. Last evaluated: 2025-04-12. Review status: criteria provided, single submitter. Criteria: Ambry Variant Classification Scheme 2023. Collection method: clinical testing. Allele origin: germline.

Labcorp Genetics (formerly Invitae), Labcorp
Classification: Uncertain significance. Last evaluated: 2021-12-28. Review status: criteria provided, single submitter. Criteria: Invitae Variant Classification Sherloc (09022015). Collection method: clinical testing. Allele origin: germline.
Comment: This sequence change replaces arginine, which is basic and polar, with cysteine, which is neutral and slightly polar, at codon 183 of the COX15 protein (p.Arg183Cys). This variant is present in population databases (rs371107669, gnomAD 0.009%). This variant has not been reported in the literature in individuals affected with COX15-related conditions. Algorithms developed to predict the effect of missense changes on protein structure and function are either unavailable or do not agree on the potential impact of this missense change (SIFT: "Not Available"; PolyPhen-2: "Benign"; Align-GVGD: "Not Available"). In summary, the available evidence is currently insufficient to determine the role of this variant in disease. Therefore, it has been classified as a Variant of Uncertain Significance.

NM_078470.6(COX15):c.547C>T (p.Arg183Cys)

Gene: COX15 (cytochrome c oxidase assembly factor COX15; minus strand). Cytogenetic location: 10q24.2.
Variant type: single nucleotide variant.
Coding change: c.547C>T on transcript NM_078470.6 (MANE Select); coding-DNA position 547, C replaced by T.
Protein change: p.Arg183Cys; replaces arginine 183 with cysteine.
Molecular consequence: missense variant. On other transcripts: non-coding transcript variant (1).
Genome position (GRCh38, 1-based): chr10:99,727,003, G>A on the plus strand (C>T on the coding strand, the complement: COX15 is on the minus strand). VCF-style: chr10-99727003-G-A. GRCh37 (hg19) VCF-style: chr10-101486760-G-A.
Other names: c.547C>T, p.Arg183Cys (NM_001320974.2, NM_001320975.2, NM_001372024.1 and 5 more transcripts); c.10C>T, p.Arg4Cys (NM_001320976.2); short protein forms R4C, R183C.
Identifiers: ClinVar variation 1912852 (VCV001912852.3), dbSNP rs371107669, ClinGen allele CA5642240.